The following is an entry in ClinVar:

ClinVar aggregate classification (germline): Uncertain significance (1 of 4 stars; one submission).

Conditions:
Familial temporal lobe epilepsy 7. Identifiers: Orphanet 101046, MedGen C4225327, MONDO:0014639, OMIM 616436.
Norman-Roberts syndrome (LIS2). Also called: Lissencephaly 2 (Norman-Roberts type). Identifiers: Orphanet 89844, MedGen C0796089, MONDO:0009760, OMIM 257320.

gnomAD v4.1: 6 of 1,609,286 alleles (0.00037%); highest among the groups gnomAD compares: East Asian, 0.0022%; no homozygotes.

Submission:

Labcorp Genetics (formerly Invitae), Labcorp
Classification: Uncertain significance for Familial temporal lobe epilepsy 7; Norman-Roberts syndrome. Last evaluated: 2023-04-24. Review status: criteria provided, single submitter. Criteria: Invitae Variant Classification Sherloc (09022015). Collection method: clinical testing. Allele origin: germline.
Comment: This variant is not present in population databases (gnomAD no frequency). In summary, the available evidence is currently insufficient to determine the role of this variant in disease. Therefore, it has been classified as a Variant of Uncertain Significance. Advanced modeling of protein sequence and biophysical properties (such as structural, functional, and spatial information, amino acid conservation, physicochemical variation, residue mobility, and thermodynamic stability) performed at Invitae indicates that this missense variant is not expected to disrupt RELN protein function. ClinVar contains an entry for this variant (Variation ID: 1020424). This variant has not been reported in the literature in individuals affected with RELN-related conditions. This sequence change replaces isoleucine, which is neutral and non-polar, with leucine, which is neutral and non-polar, at codon 635 of the RELN protein (p.Ile635Leu).

NM_005045.4(RELN):c.1903A>T (p.Ile635Leu)

Gene: RELN (reelin; minus strand). Cytogenetic location: 7q22.1.
Variant type: single nucleotide variant.
Coding change: c.1903A>T on transcript NM_005045.4 (MANE Select); coding-DNA position 1903, A replaced by T.
Protein change: p.Ile635Leu; replaces isoleucine 635 with leucine.
Molecular consequence: missense variant.
Genome position (GRCh38, 1-based): chr7:103,650,373, T>A on the plus strand (A>T on the coding strand, the complement: RELN is on the minus strand). VCF-style: chr7-103650373-T-A. GRCh37 (hg19) VCF-style: chr7-103290820-T-A.
Other names: c.1903A>T, p.Ile635Leu (NM_173054.3); short protein forms I635L.
Identifiers: ClinVar variation 1020424 (VCV001020424.8), dbSNP rs1411192424, ClinGen allele CA368764162.